The following is an entry in ClinVar:

ClinVar aggregate classification (germline): Uncertain significance (1 of 4 stars; one submission).

Conditions:
Inborn genetic diseases. Identifiers: MedGen C0950123, MeSH D030342.

gnomAD v4.1: 5 of 1,612,510 alleles (0.00031%); highest among the groups gnomAD compares: Non-Finnish European, 0.00034%; no homozygotes.

Submission:

Ambry Genetics
Classification: Uncertain significance for Inborn genetic diseases. Last evaluated: 2026-06-08. Review status: criteria provided, single submitter. Criteria: Ambry Variant Classification Scheme 2023. Collection method: clinical testing. Allele origin: germline.
Comment: The p.T1304A variant (also known as c.3910A>G), located in coding exon 27 of the ANKRD26 gene, results from an A to G substitution at nucleotide position 3910. The threonine at codon 1304 is replaced by alanine, an amino acid with similar properties. This amino acid position is conserved. In addition, this alteration is predicted to be tolerated by in silico analysis. Based on the available evidence, the clinical significance of this variant remains unclear.

NM_014915.3(ANKRD26):c.3910A>G (p.Thr1304Ala)

Gene: ANKRD26 (ankyrin repeat domain 26; minus strand). Cytogenetic location: 10p12.1.
Variant type: single nucleotide variant.
Coding change: c.3910A>G on transcript NM_014915.3 (MANE Select); coding-DNA position 3910, A replaced by G.
Protein change: p.Thr1304Ala; replaces threonine 1304 with alanine.
Molecular consequence: missense variant.
Genome position (GRCh38, 1-based): chr10:27,028,914, T>C on the plus strand (A>G on the coding strand, the complement: ANKRD26 is on the minus strand). VCF-style: chr10-27028914-T-C. GRCh37 (hg19) VCF-style: chr10-27317843-T-C.
Other names: c.3907A>G, p.Thr1303Ala (NM_001256053.2); short protein forms T1303A, T1304A.
Identifiers: ClinVar variation 4858915 (VCV004858915.1).